The following is an entry in ClinVar:

NM_144997.7(FLCN):c.754G>T (p.Ala252Ser)

Gene: FLCN (folliculin; minus strand). Cytogenetic location: 17p11.2.
Variant type: single nucleotide variant.
Coding change: c.754G>T on transcript NM_144997.7 (MANE Select); coding-DNA position 754, G replaced by T.
Protein change: p.Ala252Ser; replaces alanine 252 with serine.
Molecular consequence: missense variant.
Genome position (GRCh38, 1-based): chr17:17,222,526, C>A on the plus strand (G>T on the coding strand, the complement: FLCN is on the minus strand). VCF-style: chr17-17222526-C-A. GRCh37 (hg19) VCF-style: chr17-17125840-C-A.
Other names: c.808G>T, p.Ala270Ser (NM_001353229.2); c.754G>T, p.Ala252Ser (NM_001353230.2, NM_001353231.2, NM_144606.7); short protein forms A252S, A270S.
Identifiers: ClinVar variation 2445299 (VCV002445299.5), dbSNP rs2544232260, ClinGen allele CA398533865.

ClinVar aggregate classification (germline): Conflicting classifications of pathogenicity. Review status: criteria provided, conflicting classifications (1 of 4 stars). 2 submissions from 2 submitters: Uncertain significance (1); Benign (1). Last evaluated 2023-08-17.

Conditions:
Ovarian cancer. Also called: OVARIAN CANCER, SOMATIC. Identifiers: Orphanet 213500, MedGen C1140680, MONDO:0008170, OMIM 167000.
Birt-Hogg-Dube syndrome. Also called: Birt Hogg Dubé syndrome. Identifiers: Orphanet 122, MedGen C0346010, MONDO:0800444.

Submissions (2):

Labcorp Genetics (formerly Invitae), Labcorp
Classification: Uncertain significance for Birt-Hogg-Dube syndrome. Last evaluated: 2023-08-17. Review status: criteria provided, single submitter. Criteria: Invitae Variant Classification Sherloc (09022015). Collection method: clinical testing. Allele origin: germline.
Comment: In summary, the available evidence is currently insufficient to determine the role of this variant in disease. Therefore, it has been classified as a Variant of Uncertain Significance. Advanced modeling of protein sequence and biophysical properties (such as structural, functional, and spatial information, amino acid conservation, physicochemical variation, residue mobility, and thermodynamic stability) performed at Invitae indicates that this missense variant is not expected to disrupt FLCN protein function. ClinVar contains an entry for this variant (Variation ID: 2445299). This variant has not been reported in the literature in individuals affected with FLCN-related conditions. This variant is not present in population databases (gnomAD no frequency). This sequence change replaces alanine, which is neutral and non-polar, with serine, which is neutral and polar, at codon 252 of the FLCN protein (p.Ala252Ser).

Laboratory of Molecular Epidemiology of Birth Defects, West China Second University Hospital, Sichuan University
Classification: Benign for Ovarian cancer. Last evaluated: 2022-01-01. Review status: criteria provided, single submitter. Criteria: ACMG Guidelines, 2015. Collection method: clinical testing. Allele origin: germline. Affected: yes.